The following is an entry in ClinVar:

ClinVar aggregate classification (germline): Likely benign. Review status: criteria provided, multiple submitters, no conflicts (2 of 4 stars). 2 submissions from 2 submitters: Likely benign (2). Last evaluated 2024-09-01.

Allele frequency attached by ClinVar (database versions not stated): ESP Exome Variant Server 0.00008; gnomAD 0.00033 and 0.00037; gnomAD exomes 0.00041 and 0.00084; TOPMed 0.00041; 1000 Genomes Project 30x 0.00047; 1000 Genomes Project 0.00060; ExAC 0.00077.
gnomAD v4.1: 686 of 1,613,850 alleles (0.043%); highest among the groups gnomAD compares: South Asian, 0.42%; 4 homozygotes.

Submissions (2):

CeGaT Center for Human Genetics Tuebingen
Classification: Likely benign. Last evaluated: 2024-09-01. Review status: criteria provided, single submitter. Criteria: CeGaT Center For Human Genetics Tuebingen Variant Classification Criteria Version 2. Collection method: clinical testing. Allele origin: germline. Affected: yes. Observed: 1 variant allele.
Comment: PPL: BP4, BS1

Labcorp Genetics (formerly Invitae), Labcorp
Classification: Likely benign. Last evaluated: 2018-04-30. Review status: criteria provided, single submitter. Criteria: Invitae Variant Classification Sherloc (09022015). Collection method: clinical testing. Allele origin: germline.

NM_002705.5(PPL):c.1281G>C (p.Lys427Asn)

Gene: PPL (periplakin; minus strand). Cytogenetic location: 16p13.3.
Variant type: single nucleotide variant.
Coding change: c.1281G>C on transcript NM_002705.5 (MANE Select); coding-DNA position 1281, G replaced by C.
Protein change: p.Lys427Asn; replaces lysine 427 with asparagine.
Molecular consequence: missense variant.
Genome position (GRCh38, 1-based): chr16:4,894,580, C>G on the plus strand (G>C on the coding strand, the complement: PPL is on the minus strand). VCF-style: chr16-4894580-C-G. GRCh37 (hg19) VCF-style: chr16-4944581-C-G.
Other names: short protein forms K427N.
Identifiers: ClinVar variation 742119 (VCV000742119.17), dbSNP rs144887163, ClinGen allele CA7886626.